The following is an entry in ClinVar:

NM_001288772.2(PIK3C2G):c.437C>T (p.Pro146Leu)

Gene: PIK3C2G (phosphatidylinositol-4-phosphate 3-kinase catalytic subunit type 2 gamma; plus strand). Cytogenetic location: 12p12.3.
Variant type: single nucleotide variant.
Coding change: c.437C>T on transcript NM_001288772.2 (MANE Select); coding-DNA position 437, C replaced by T.
Protein change: p.Pro146Leu; replaces proline 146 with leucine.
Molecular consequence: missense variant. On other transcripts: 5 prime UTR variant (1).
Genome position (GRCh38, 1-based): chr12:18,282,518, C>T. VCF-style: chr12-18282518-C-T. GRCh37 (hg19) VCF-style: chr12-18435452-C-T.
Other names: c.-223C>T (NM_001288774.2); c.437C>T, p.Pro146Leu (NM_004570.6); short protein forms P146L.
Identifiers: ClinVar variation 1297186 (VCV001297186.3), dbSNP rs11044004, ClinGen allele CA6469714.
Genomic context (GRCh38, chr12:18,282,518, plus strand): 5'-GGGGAAGCCCCATAGGAAAACATCATGGTGCTGATGATTCCAGATTCAGTATTTTAGCTC[C>T]ATCATTCACAAGTTTGGATAAAATTAATCTAGAGAAAGAATTAGAAAATGAAAATCATAA-3'
Protein context (NP_001275701.1, residues 136-156): ADDSRFSILA[Pro146Leu]SFTSLDKINL

ClinVar aggregate classification (germline): Benign. Review status: criteria provided, multiple submitters, no conflicts (2 of 4 stars). 2 submissions from 2 submitters: Benign (2). Last evaluated 2019-08-16.

Allele frequency attached by ClinVar (database versions not stated): 1000 Genomes Project 0.35323; 1000 Genomes Project 30x 0.35478; TOPMed 0.38364; ESP Exome Variant Server 0.38590; gnomAD exomes 0.38620 and 0.40116; gnomAD 0.38639 and 0.38999; ExAC 0.38651.
gnomAD v4.1: 641,202 of 1,605,944 alleles (40%); highest among the groups gnomAD compares: Non-Finnish European, 41%; 129,634 homozygotes.

Submissions (2):

GeneDx
Classification: Benign. Last evaluated: 2019-08-16. Review status: criteria provided, single submitter. Criteria: GeneDx Variant Classification Process June 2021. Collection method: clinical testing. Allele origin: germline. Affected: yes.
Comment: This variant is associated with the following publications: (PMID: 17991425)

Breakthrough Genomics
Classification: Benign. Review status: criteria provided, single submitter. Criteria: ACMG Guidelines, 2015. Collection method: not provided. Allele origin: germline. Inheritance: Unknown mechanism. Affected: yes.